The following is an entry in ClinVar:

ClinVar aggregate classification (germline): Uncertain significance. Review status: criteria provided, multiple submitters, no conflicts (2 of 4 stars). 2 submissions from 2 submitters: Uncertain significance (2). Last evaluated 2023-06-02.

Conditions:
Microcephaly, normal intelligence and immunodeficiency (NBS). Also called: IMMUNODEFICIENCY, MICROCEPHALY, AND CHROMOSOMAL INSTABILITY; SEEMANOVA SYNDROME II; Nijmegen breakage syndrome; Microcephaly with normal intelligence immunodeficiency and lymphoreticular malignancies; Nonsyndromal microcephaly autosomal recessive with normal intelligence; Seemanova syndrome 2. Identifiers: Orphanet 647, MedGen C0398791, MONDO:0009623, OMIM 251260.
Hereditary cancer-predisposing syndrome. Also called: Tumor predisposition; Neoplastic Syndromes, Hereditary; Hereditary Cancer Syndrome; Hereditary neoplastic syndrome. Identifiers: Orphanet 140162, MedGen C0027672, MeSH D009386, MONDO:0015356.

Submissions (2):

Labcorp Genetics (formerly Invitae), Labcorp
Classification: Uncertain significance for Microcephaly, normal intelligence and immunodeficiency. Last evaluated: 2023-06-02. Review status: criteria provided, single submitter. Criteria: Invitae Variant Classification Sherloc (09022015). Collection method: clinical testing. Allele origin: germline.
Comment: This sequence change replaces serine, which is neutral and polar, with glycine, which is neutral and non-polar, at codon 611 of the NBN protein (p.Ser611Gly). This variant is not present in population databases (gnomAD no frequency). This variant has not been reported in the literature in individuals affected with NBN-related conditions. ClinVar contains an entry for this variant (Variation ID: 1780961). An algorithm developed to predict the effect of missense changes on protein structure and function (PolyPhen-2) suggests that this variant is likely to be tolerated. Algorithms developed to predict the effect of sequence changes on RNA splicing suggest that this variant may create or strengthen a splice site. In summary, the available evidence is currently insufficient to determine the role of this variant in disease. Therefore, it has been classified as a Variant of Uncertain Significance.

Ambry Genetics
Classification: Uncertain significance for Hereditary cancer-predisposing syndrome. Last evaluated: 2021-01-07. Review status: criteria provided, single submitter. Criteria: Ambry Variant Classification Scheme 2023. Collection method: clinical testing. Allele origin: germline.
Comment: The p.S611G variant (also known as c.1831A>G), located in coding exon 11 of the NBN gene, results from an A to G substitution at nucleotide position 1831. The serine at codon 611 is replaced by glycine, an amino acid with similar properties. This amino acid position is not well conserved in available vertebrate species. In addition, this alteration is predicted to be tolerated by in silico analysis. Since supporting evidence is limited at this time, the clinical significance of this alteration remains unclear.

NM_002485.5(NBN):c.1831A>G (p.Ser611Gly)

Gene: NBN (nibrin; minus strand). Cytogenetic location: 8q21.3.
Variant type: single nucleotide variant.
Coding change: c.1831A>G on transcript NM_002485.5 (MANE Select); coding-DNA position 1831, A replaced by G.
Protein change: p.Ser611Gly; replaces serine 611 with glycine.
Molecular consequence: missense variant.
Genome position (GRCh38, 1-based): chr8:89,953,258, T>C on the plus strand (A>G on the coding strand, the complement: NBN is on the minus strand). VCF-style: chr8-89953258-T-C. GRCh37 (hg19) VCF-style: chr8-90965486-T-C.
Other names: c.1585A>G, p.Ser529Gly (NM_001024688.3); short protein forms S611G, S529G.
Identifiers: ClinVar variation 1780961 (VCV001780961.5), dbSNP rs2488228582, ClinGen allele CA371654994.